The following is an entry in ClinVar:

ClinVar aggregate classification (germline): Likely pathogenic (1 of 4 stars; one submission).

gnomAD v4.1: 2 of 1,565,648 alleles (0.00013%); highest among the groups gnomAD compares: African/African-American, 0.0014%; no homozygotes.

Submission:

GeneDx
Classification: Likely pathogenic. Last evaluated: 2026-03-06. Review status: criteria provided, single submitter. Criteria: GeneDx Variant Classification Process June 2021. Collection method: clinical testing. Allele origin: germline.
Comment: Nonsense variant predicted to result in protein truncation or nonsense mediated decay in a gene for which loss of function is a known mechanism of disease; Not observed at significant frequency in large population cohorts (gnomAD); Has not been previously published as pathogenic or benign to our knowledge

NM_001046.3(SLC12A2):c.2794C>T (p.Gln932Ter)

Gene: SLC12A2 (solute carrier family 12 member 2; plus strand). Cytogenetic location: 5q23.3.
Variant type: single nucleotide variant.
Coding change: c.2794C>T on transcript NM_001046.3 (MANE Select); coding-DNA position 2794, C replaced by T.
Protein change: p.Gln932Ter; replaces glutamine 932 with a stop codon.
Molecular consequence: nonsense. On other transcripts: non-coding transcript variant (1).
Genome position (GRCh38, 1-based): chr5:128,171,737, C>T. VCF-style: chr5-128171737-C-T. GRCh37 (hg19) VCF-style: chr5-127507429-C-T.
Other names: c.2794C>T, p.Gln932Ter (NM_001256461.2); short protein forms Q932*.
Identifiers: ClinVar variation 5008700 (VCV005008700.1).